The following is an entry in ClinVar:

ClinVar aggregate classification (germline): Uncertain significance. Review status: criteria provided, multiple submitters, no conflicts (2 of 4 stars). 2 submissions from 2 submitters: Uncertain significance (2). Last evaluated 2025-08-17.

Conditions:
RET-related disorder. Also called: RET-related condition; RET-related disease; RET-related disorders.
Hereditary cancer-predisposing syndrome. Also called: Tumor predisposition; Hereditary neoplastic syndrome; Hereditary Cancer Syndrome; Neoplastic Syndromes, Hereditary. Identifiers: Orphanet 140162, MedGen C0027672, MeSH D009386, MONDO:0015356.

Submissions (2):

PreventionGenetics, part of Exact Sciences
Classification: Uncertain significance for RET-related condition. Last evaluated: 2025-08-17. Review status: criteria provided, single submitter. Criteria: ACMG Guidelines, 2015. Collection method: clinical testing. Allele origin: germline.
Comment: The RET c.935G>A variant is predicted to result in the amino acid substitution p.Arg312Lys. To our knowledge, this variant has not been reported in the literature or in a large population database (gnomAD), indicating this variant is rare. This variant was classified as uncertain in ClinVar (Variation ID: 1766678). At this time, the clinical significance of this variant is uncertain due to the absence of conclusive functional and genetic evidence.

Ambry Genetics
Classification: Uncertain significance for Hereditary cancer-predisposing syndrome. Last evaluated: 2025-06-16. Review status: criteria provided, single submitter. Criteria: Ambry Variant Classification Scheme 2023. Collection method: clinical testing. Allele origin: germline.
Comment: The p.R312K variant (also known as c.935G>A), located in coding exon 5 of the RET gene, results from a G to A substitution at nucleotide position 935. The arginine at codon 312 is replaced by lysine, an amino acid with highly similar properties. This variant was reported in individual(s) with paraganglioma (Ambry internal data). This amino acid position is well conserved in available vertebrate species. In addition, this alteration is predicted to be tolerated by in silico analysis. Based on the supporting evidence, the association of this alteration with MEN2 is unknown; however, the association of this alteration with Hirschsprung disease is unlikely.

NM_020975.6(RET):c.935G>A (p.Arg312Lys)

Gene: RET (ret proto-oncogene; plus strand). Cytogenetic location: 10q11.21.
Variant type: single nucleotide variant.
Coding change: c.935G>A on transcript NM_020975.6 (MANE Select); coding-DNA position 935, G replaced by A.
Protein change: p.Arg312Lys; replaces arginine 312 with lysine.
Molecular consequence: missense variant.
Genome position (GRCh38, 1-based): chr10:43,106,443, G>A. VCF-style: chr10-43106443-G-A. GRCh37 (hg19) VCF-style: chr10-43601891-G-A.
Other names: c.935G>A, p.Arg312Lys (NM_000323.2, NM_001406743.1, NM_001406744.1 and 6 more transcripts); c.173G>A, p.Arg58Lys (NM_001355216.2); c.806G>A, p.Arg269Lys (NM_001406761.1, NM_001406762.1, NM_001406764.1 and 1 more transcripts); c.647G>A, p.Arg216Lys (NM_001406766.1, NM_001406767.1, NM_001406770.1); short protein forms R216K, R312K, R58K, R269K.
Identifiers: ClinVar variation 1766678 (VCV001766678.4), dbSNP rs2538403527, ClinGen allele CA376545981.